The following is an entry in ClinVar:

NM_001130438.3(SPTAN1):c.362G>A (p.Arg121Gln)

Gene: SPTAN1 (spectrin alpha, non-erythrocytic 1; plus strand). Cytogenetic location: 9q34.11.
Variant type: single nucleotide variant.
Coding change: c.362G>A on transcript NM_001130438.3 (MANE Select); coding-DNA position 362, G replaced by A.
Protein change: p.Arg121Gln; replaces arginine 121 with glutamine.
Molecular consequence: missense variant.
Genome position (GRCh38, 1-based): chr9:128,568,896, G>A. VCF-style: chr9-128568896-G-A. GRCh37 (hg19) VCF-style: chr9-131331175-G-A.
Other names: c.362G>A, p.Arg121Gln (NM_001195532.2, NM_001363759.2, NM_001363765.2 and 5 more transcripts); c.398G>A, p.Arg133Gln (NM_001375312.2, NM_001375318.1); short protein forms R121Q, R133Q.
Identifiers: ClinVar variation 3628545 (VCV003628545.2).

ClinVar aggregate classification (germline): Uncertain significance (1 of 4 stars; one submission).

Conditions:
Early-infantile DEE. Also called: Early infantile epileptic encephalopathy with suppression bursts; Early infantile epileptic encephalopathy; Ohtahara syndrome. Identifiers: Orphanet 1934, MedGen C0393706, MONDO:0800491.

gnomAD v4.1: 2 of 1,613,956 alleles (0.00012%); highest among the groups gnomAD compares: African/African-American, 0.0013%; no homozygotes.

Submission:

Labcorp Genetics (formerly Invitae), Labcorp
Classification: Uncertain significance for Early-infantile DEE. Last evaluated: 2024-03-01. Review status: criteria provided, single submitter. Criteria: Invitae Variant Classification Sherloc (09022015). Collection method: clinical testing. Allele origin: germline.
Comment: This sequence change replaces arginine, which is basic and polar, with glutamine, which is neutral and polar, at codon 121 of the SPTAN1 protein (p.Arg121Gln). This variant is not present in population databases (gnomAD no frequency). This variant has not been reported in the literature in individuals affected with SPTAN1-related conditions. An algorithm developed to predict the effect of missense changes on protein structure and function (PolyPhen-2) suggests that this variant is likely to be tolerated. In summary, the available evidence is currently insufficient to determine the role of this variant in disease. Therefore, it has been classified as a Variant of Uncertain Significance.